The following is an entry in ClinVar:

NM_001805.4(CEBPE):c.565C>T (p.Pro189Ser)

Gene: CEBPE (CCAAT enhancer binding protein epsilon; minus strand). Cytogenetic location: 14q11.2.
Variant type: single nucleotide variant.
Coding change: c.565C>T on transcript NM_001805.4 (MANE Select); coding-DNA position 565, C replaced by T.
Protein change: p.Pro189Ser; replaces proline 189 with serine.
Molecular consequence: missense variant.
Genome position (GRCh38, 1-based): chr14:23,117,768, G>A on the plus strand (C>T on the coding strand, the complement: CEBPE is on the minus strand). VCF-style: chr14-23117768-G-A. GRCh37 (hg19) VCF-style: chr14-23586977-G-A.
Other names: short protein forms P189S.
Identifiers: ClinVar variation 850508 (VCV000850508.7), dbSNP rs376534358, ClinGen allele CA7111150.

ClinVar aggregate classification (germline): Uncertain significance. Review status: criteria provided, multiple submitters, no conflicts (2 of 4 stars). 2 submissions from 2 submitters: Uncertain significance (2). Last evaluated 2026-01-22.

Conditions:
Specific granule deficiency. Identifiers: Orphanet 169142, MedGen C0398593, MONDO:0009506.

Allele frequency attached by ClinVar (database versions not stated): ExAC 0.00006; gnomAD exomes 0.00006 and 0.00018; gnomAD 0.00010; TOPMed 0.00012; ESP Exome Variant Server 0.00015.

Submissions (2):

Women's Health and Genetics/Laboratory Corporation of America, LabCorp
Classification: Uncertain significance. Last evaluated: 2026-01-22. Review status: criteria provided, single submitter. Criteria: LabCorp Variant Classification Summary - May 2015. Collection method: clinical testing. Allele origin: germline.

Labcorp Genetics (formerly Invitae), Labcorp
Classification: Uncertain significance for Specific granule deficiency. Last evaluated: 2025-01-27. Review status: criteria provided, single submitter. Criteria: Invitae Variant Classification Sherloc (09022015). Collection method: clinical testing. Allele origin: germline.
Comment: This sequence change replaces proline, which is neutral and non-polar, with serine, which is neutral and polar, at codon 189 of the CEBPE protein (p.Pro189Ser). This variant is present in population databases (rs376534358, gnomAD 0.02%). This variant has not been reported in the literature in individuals affected with CEBPE-related conditions. ClinVar contains an entry for this variant (Variation ID: 850508). An algorithm developed to predict the effect of missense changes on protein structure and function (PolyPhen-2) suggests that this variant is likely to be disruptive. In summary, the available evidence is currently insufficient to determine the role of this variant in disease. Therefore, it has been classified as a Variant of Uncertain Significance.